The following is an entry in ClinVar:

NM_006545.5(NPRL2):c.586-3C>T

Gene: NPRL2 (NPR2 like, GATOR1 complex subunit; minus strand). Cytogenetic location: 3p21.31.
Variant type: single nucleotide variant.
Coding change: c.586-3C>T on transcript NM_006545.5 (MANE Select); 3 bases into the intron before coding-DNA position 586, C replaced by T.
Molecular consequence: intron variant.
Genome position (GRCh38, 1-based): chr3:50,348,785, G>A on the plus strand (C>T on the coding strand, the complement: NPRL2 is on the minus strand). VCF-style: chr3-50348785-G-A. GRCh37 (hg19) VCF-style: chr3-50386216-G-A.
Other names: NC_000003.11:g.50386216G>A.
Identifiers: ClinVar variation 2653859 (VCV002653859.26), dbSNP rs775206926, ClinGen allele CA2417551.
Genomic context (GRCh38, chr3:50,348,785, plus strand): 5'-CATCTGCCTCTGCTGAAATCTTCTGGATGTGGCGGAACCCATCAATGTAGGGCAGGATCT[G>A]GGCAGAGTGGGACAAGGTCAGAAGAAACAGGATGAGGCCAGGGCTGTGGCCAGCCCCAGG-3'

ClinVar aggregate classification (germline): Likely benign. Review status: criteria provided, multiple submitters, no conflicts (2 of 4 stars). 2 submissions from 2 submitters: Likely benign (2). Last evaluated 2026-06-01.

Submissions (3):

CeGaT Center for Human Genetics Tuebingen
Classification: Likely benign. Last evaluated: 2026-06-01. Review status: criteria provided, single submitter. Criteria: CeGaT Center For Human Genetics Tuebingen Variant Classification Criteria Version 2. Collection method: clinical testing. Allele origin: germline. Affected: yes. Observed: 2 variant alleles.
Comment: NPRL2: BP4, BS1

Blueprint Genetics
Classification: Likely benign. Last evaluated: 2024-11-25. Review status: criteria provided, single submitter. Criteria: ACMG Guidelines, 2015. Collection method: clinical testing. Allele origin: germline.

Dr. Peter K. Rogan Lab, Western University
No classification provided (evidence only). Condition: Gastric cancer. Review status: no classification provided. Collection method: in vitro. Allele origin: not applicable. Functional consequence: retained intron. Not counted in ClinVar's aggregate classification.